The following is an entry in ClinVar:

ClinVar aggregate classification (germline): Pathogenic. Review status: criteria provided, multiple submitters, no conflicts (2 of 4 stars). 9 submissions from 9 submitters: Pathogenic (6). 3 of the submissions do not count toward it. Last evaluated 2026-03-01.

Conditions:
Aortic valve disease 2 (AOVD2). Identifiers: MedGen C3542024, MONDO:0013902, OMIM 614823.
TBX5-related disorder. Also called: TBX5-related condition.
Holt-Oram syndrome (HOS). Also called: TBX5-Related Holt-Oram Syndrome; Ventriculo-radial syndrome; Cardiac-limb syndrome; Heart-hand syndrome, type 1. Identifiers: Orphanet 392, MedGen C0265264, MONDO:0007732, OMIM 142900.

Submissions (9):

CeGaT Center for Human Genetics Tuebingen
Classification: Pathogenic. Last evaluated: 2026-03-01. Review status: criteria provided, single submitter. Criteria: CeGaT Center For Human Genetics Tuebingen Variant Classification Criteria Version 2. Collection method: clinical testing. Allele origin: germline. Affected: yes. Observed: 3 variant alleles.
Comment: TBX5: PVS1, PM2, PS4:Moderate

GeneDx
Classification: Pathogenic. Last evaluated: 2024-06-18. Review status: criteria provided, single submitter. Criteria: GeneDx Variant Classification Process June 2021. Collection method: clinical testing. Allele origin: germline. Affected: yes.
Comment: In vitro studies on cardiac tissue harboring R279X show significantly decreased TBX5 transcript levels compared to wild type (PMID: 24664498); Not observed at significant frequency in large population cohorts (gnomAD); Nonsense variant predicted to result in protein truncation or nonsense mediated decay in a gene for which loss of function is a known mechanism of disease; This variant is associated with the following publications: (PMID: 21637475, 34930662, 24664498, 8988164, 25525159, 25263169, 15710732, 12789647, 28855170, 31215120, 32449309, 19204083)

Labcorp Genetics (formerly Invitae), Labcorp
Classification: Pathogenic for Aortic valve disease 2. Last evaluated: 2023-07-07. Review status: criteria provided, single submitter. Criteria: Invitae Variant Classification Sherloc (09022015). Collection method: clinical testing. Allele origin: germline.
Comment: This premature translational stop signal has been observed in individual(s) with Holt-Oram syndrome (HOS) and Tetralogy of Fallot (TOF) (PMID: 21637475, 24664498, 25263169). In at least one individual the variant was observed to be de novo. This sequence change creates a premature translational stop signal (p.Arg279*) in the TBX5 gene. It is expected to result in an absent or disrupted protein product. Loss-of-function variants in TBX5 are known to be pathogenic (PMID: 16183809, 16917909). This variant is not present in population databases (gnomAD no frequency). ClinVar contains an entry for this variant (Variation ID: 213832). For these reasons, this variant has been classified as Pathogenic.

Institute of Human Genetics Munich, TUM University Hospital
Classification: Pathogenic for Holt-Oram syndrome. Last evaluated: 2022-11-02. Review status: criteria provided, single submitter. Criteria: Classification criteria August 2017. Collection method: clinical testing. Allele origin: maternal. Inheritance: Autosomal dominant inheritance. Affected: yes. Observed: 1 variant allele.

3billion
Classification: Pathogenic for Holt-Oram syndrome. Last evaluated: 2022-03-22. Review status: criteria provided, single submitter. Criteria: ACMG Guidelines, 2015. Collection method: clinical testing. Allele origin: germline. Affected: yes. Observed: 1 heterozygote.
Comment: Stop-gained (nonsense): predicted to result in a loss or disruption of normal protein function through nonsense-mediated decay (NMD) or protein truncation. Multiple pathogenic variants are reported downstream of the variant. The variant has been reported at least twice as pathogenic/likely pathogenic with clinical assertions and evidence for the classification (ClinVar ID: VCV000213832, PMID:8988164). It is not observed in the gnomAD v2.1.1 dataset. Therefore, this variant is classified as pathogenic according to the recommendation of ACMG/AMP guideline.

HudsonAlpha Institute for Biotechnology
Classification: Pathogenic for Holt-Oram syndrome. Last evaluated: 2019-06-14. Review status: criteria provided, single submitter. Criteria: ACMG Guidelines, 2015. Collection method: research. Allele origin: unknown. Observed: 1 variant allele. Study: CSER-SouthSeq.
Comment: ACMG codes: PVS1, PM2, PP4, PP5

PreventionGenetics, part of Exact Sciences
Classification: Pathogenic for TBX5-related condition. Last evaluated: 2024-04-17. Review status: no assertion criteria provided. Collection method: clinical testing. Allele origin: germline. Not counted in ClinVar's aggregate classification.
Comment: The TBX5 c.835C>T variant is predicted to result in premature protein termination (p.Arg279*). This variant has been reported in multiple unrelated individuals with Holt-Oram syndrome and Tetralogy of Fallot, and has been documented as a de novo finding (Baban et al. 2014. PubMed ID: 25263169; Bowling et al. 2021. PubMed ID: 34930662). This variant has not been reported in a large population database, indicating this variant is rare. Nonsense variants in TBX5 are expected to be pathogenic. This variant is interpreted as pathogenic.

Centre de Biologie Pathologie Génétique, Centre Hospitalier Universitaire de Lille
Classification: Pathogenic for Holt-Oram syndrome. Last evaluated: 2018-06-14. Review status: no assertion criteria provided. Collection method: clinical testing. Allele origin: paternal, unknown, maternal. Affected: yes. Not counted in ClinVar's aggregate classification.

OMIM
Classification: Pathogenic for HOLT-ORAM SYNDROME. Last evaluated: 1997-01-01. Review status: no assertion criteria provided. Collection method: literature only. Allele origin: germline. Not counted in ClinVar's aggregate classification.

Literature cited by the submitters: PubMed 21637475 (cited by Labcorp Genetics (formerly Invitae), Labcorp); PubMed 24664498 (cited by Labcorp Genetics (formerly Invitae), Labcorp); PubMed 25263169 (cited by Labcorp Genetics (formerly Invitae), Labcorp); PubMed 16183809 (cited by Labcorp Genetics (formerly Invitae), Labcorp); PubMed 16917909 (cited by Labcorp Genetics (formerly Invitae), Labcorp); PubMed 8988164 (cited by 3billion and OMIM).

NM_181486.4(TBX5):c.835C>T (p.Arg279Ter)

Gene: TBX5 (T-box transcription factor 5; minus strand). Cytogenetic location: 12q24.21.
Variant type: single nucleotide variant.
Coding change: c.835C>T on transcript NM_181486.4 (MANE Select); coding-DNA position 835, C replaced by T.
Protein change: p.Arg279Ter; replaces arginine 279 with a stop codon.
Molecular consequence: nonsense.
Genome position (GRCh38, 1-based): chr12:114,366,312, G>A on the plus strand (C>T on the coding strand, the complement: TBX5 is on the minus strand). VCF-style: chr12-114366312-G-A. GRCh37 (hg19) VCF-style: chr12-114804117-G-A.
Other names: p.R279*:CGA>TGA; 1491C-T; c.835C>T, p.Arg279Ter (NM_000192.3); c.685C>T, p.Arg229Ter (NM_080717.4); short protein forms R279*, R229*.
Identifiers: ClinVar variation 213832 (VCV000213832.59), dbSNP rs863223788, ClinGen allele CA321019.